The following is an entry in ClinVar:

ClinVar aggregate classification (germline): Uncertain significance (1 of 4 stars; one submission).

gnomAD v4.1: 9 of 1,469,046 alleles (0.00061%); highest among the groups gnomAD compares: Non-Finnish European, 0.00076%; no homozygotes.

Submission:

Labcorp Genetics (formerly Invitae), Labcorp
Classification: Uncertain significance. Last evaluated: 2024-11-03. Review status: criteria provided, single submitter. Criteria: Invitae Variant Classification Sherloc (09022015). Collection method: clinical testing. Allele origin: germline.
Comment: This sequence change falls in intron 12 of the GUCY2C gene. It does not directly change the encoded amino acid sequence of the GUCY2C protein. It affects a nucleotide within the consensus splice site. This variant is not present in population databases (gnomAD no frequency). This variant has not been reported in the literature in individuals affected with GUCY2C-related conditions. Variants that disrupt the consensus splice site are a relatively common cause of aberrant splicing (PMID: 17576681, 9536098). Algorithms developed to predict the effect of sequence changes on RNA splicing suggest that this variant may disrupt the consensus splice site. In summary, the available evidence is currently insufficient to determine the role of this variant in disease. Therefore, it has been classified as a Variant of Uncertain Significance.

Literature cited by the submitters: PubMed 17576681; PubMed 9536098.

NM_004963.4(GUCY2C):c.1470+4A>G

Gene: GUCY2C (guanylate cyclase 2C; minus strand). Cytogenetic location: 12p12.3.
Variant type: single nucleotide variant.
Coding change: c.1470+4A>G on transcript NM_004963.4 (MANE Select); 4 bases into the intron after coding-DNA position 1470, A replaced by G.
Molecular consequence: intron variant.
Genome position (GRCh38, 1-based): chr12:14,656,508, T>C on the plus strand (A>G on the coding strand, the complement: GUCY2C is on the minus strand). VCF-style: chr12-14656508-T-C. GRCh37 (hg19) VCF-style: chr12-14809442-T-C.
Identifiers: ClinVar variation 3683542 (VCV003683542.2).